The following is an entry in ClinVar:

NM_000834.5(GRIN2B):c.2852A>T (p.Asn951Ile)

Gene: GRIN2B (glutamate ionotropic receptor NMDA type subunit 2B; minus strand). Cytogenetic location: 12p13.1.
Variant type: single nucleotide variant.
Coding change: c.2852A>T on transcript NM_000834.5 (MANE Select); coding-DNA position 2852, A replaced by T.
Protein change: p.Asn951Ile; replaces asparagine 951 with isoleucine.
Molecular consequence: missense variant.
Genome position (GRCh38, 1-based): chr12:13,564,386, T>A on the plus strand (A>T on the coding strand, the complement: GRIN2B is on the minus strand). VCF-style: chr12-13564386-T-A. GRCh37 (hg19) VCF-style: chr12-13717320-T-A.
Other names: c.2852A>T, p.Asn951Ile (NM_001413992.1); short protein forms N951I.
Identifiers: ClinVar variation 2941822 (VCV002941822.3), dbSNP rs2497470888, ClinGen allele CA383993178.

ClinVar aggregate classification (germline): Uncertain significance (1 of 4 stars; one submission).

Conditions:
Intellectual developmental disorder, autosomal dominant 6, with or without seizures. Also called: GRIN2B-related developmental delay, intellectual disability and autism spectrum disorder; Intellectual disability, autosomal dominant 6. Identifiers: Orphanet 589547, MedGen C3151411, MONDO:0013509, OMIM 613970.
Developmental and epileptic encephalopathy, 27 (DEE27). Also called: Epileptic encephalopathy, early infantile, 27; GRIN2B-Related Neurodevelopmental Disorder. Identifiers: Orphanet 3451, MedGen C4015316, MONDO:0014505, OMIM 616139.

Submission:

Labcorp Genetics (formerly Invitae), Labcorp
Classification: Uncertain significance for Developmental and epileptic encephalopathy, 27; Intellectual developmental disorder, autosomal dominant 6, with or without seizures. Last evaluated: 2022-11-24. Review status: criteria provided, single submitter. Criteria: Invitae Variant Classification Sherloc (09022015). Collection method: clinical testing. Allele origin: germline.
Comment: In summary, the available evidence is currently insufficient to determine the role of this variant in disease. Therefore, it has been classified as a Variant of Uncertain Significance. Advanced modeling of protein sequence and biophysical properties (such as structural, functional, and spatial information, amino acid conservation, physicochemical variation, residue mobility, and thermodynamic stability) performed at Invitae indicates that this missense variant is not expected to disrupt GRIN2B protein function. This variant has not been reported in the literature in individuals affected with GRIN2B-related conditions. This variant is not present in population databases (gnomAD no frequency). This sequence change replaces asparagine, which is neutral and polar, with isoleucine, which is neutral and non-polar, at codon 951 of the GRIN2B protein (p.Asn951Ile).